The following is an entry in ClinVar:

NM_001346754.2(PIGW):c.1321_1324del (p.Ile441fs)

Genes: MYO19 (myosin XIX; minus strand), PIGW (phosphatidylinositol glycan anchor biosynthesis class W; plus strand). Cytogenetic location: 17q12.
Variant type: Deletion.
Coding change: c.1321_1324del on transcript NM_001346754.2 (MANE Select); coding-DNA positions 1321 to 1324, 4 bases deleted (ATCA; older notation c.1321_1324delATCA).
Protein change: p.Ile441fs; shifts the reading frame from isoleucine 441.
Molecular consequence: frameshift variant.
Genome position (GRCh38, 1-based): chr17:36,538,422-36,538,425, ATCA deleted; deleting any 4 consecutive bases within chr17:36,538,421-36,538,425 gives the same sequence; the c. name uses the placement nearest the transcript's 3' end. VCF-style (leftmost placement, unchanged base first): chr17-36538420-TAATC-T. GRCh37 (hg19) VCF-style: chr17-34894269-TAATC-T.
Other names: c.1321_1324del, p.Ile441fs (NM_001346755.2, NM_178517.5); short protein forms I441fs.
Identifiers: ClinVar variation 1031309 (VCV001031309.1), dbSNP rs2074173475, ClinGen allele CA2258005021.

ClinVar aggregate classification (germline): Likely pathogenic (1 of 4 stars; one submission).

Conditions:
Hyperphosphatasia with intellectual disability syndrome 5 (GPIBD11). Also called: GLYCOSYLPHOSPHATIDYLINOSITOL BIOSYNTHESIS DEFECT 11. Identifiers: Orphanet 247262, MedGen C4014958, MONDO:0014457, OMIM 616025.

Submission:

Baylor Genetics
Classification: Likely pathogenic for Hyperphosphatasia with intellectual disability syndrome 5. Last evaluated: 2019-01-04. Review status: criteria provided, single submitter. Criteria: ACMG Guidelines, 2015. Collection method: clinical testing. Allele origin: paternal. Affected: yes.
Comment: This variant was determined to be likely pathogenic according to ACMG Guidelines, 2015 [PMID:25741868].